The following is an entry in ClinVar:

NM_003873.7(NRP1):c.1517G>A (p.Arg506Gln)

Gene: NRP1 (neuropilin 1; minus strand). Cytogenetic location: 10p11.22.
Variant type: single nucleotide variant.
Coding change: c.1517G>A on transcript NM_003873.7 (MANE Select); coding-DNA position 1517, G replaced by A.
Protein change: p.Arg506Gln; replaces arginine 506 with glutamine.
Molecular consequence: missense variant. On other transcripts: non-coding transcript variant (1).
Genome position (GRCh38, 1-based): chr10:33,213,483, C>T on the plus strand (G>A on the coding strand, the complement: NRP1 is on the minus strand). VCF-style: chr10-33213483-C-T. GRCh37 (hg19) VCF-style: chr10-33502411-C-T.
Other names: c.1517G>A, p.Arg506Gln (NM_001024628.3, NM_001024629.3, NM_001244972.2 and 2 more transcripts); short protein forms R506Q.
Identifiers: ClinVar variation 2635810 (VCV002635810.4), dbSNP rs554892989, ClinGen allele CA5466631.
Genomic context (GRCh38, chr10:33,213,483, plus strand): 5'-CAGTCCGAGCCGTTGTTGCTGTACCCGATCTTGAACTTCCTCATGAACACCTTGTTCTCT[C>T]GGTGCTTCCCACCCTGAATGATGATGCCCCTCACGATCTTCTCCTCCCCCAGGTCTATTT-3'
Protein context (NP_003864.5, residues 496-516): RGIIIQGGKH[Arg506Gln]ENKVFMRKFK

ClinVar aggregate classification (germline): Uncertain significance (1 of 4 stars; one submission).

Conditions:
NRP1-related disorder. Also called: NRP1-related condition.

Allele frequency attached by ClinVar (database versions not stated): 1000 Genomes Project 30x 0.00016; 1000 Genomes Project 0.00020; gnomAD exomes 0.00001; ExAC 0.00002; gnomAD 0.00004; TOPMed 0.00005.
gnomAD v4.1: 27 of 1,614,082 alleles (0.0017%); highest among the groups gnomAD compares: Admixed American, 0.012%; no homozygotes.

Submission:

PreventionGenetics, part of Exact Sciences
Classification: Uncertain significance for NRP1-related condition. Last evaluated: 2025-12-07. Review status: criteria provided, single submitter. Criteria: ACMG Guidelines, 2015. Collection method: clinical testing. Allele origin: germline.
Comment: The NRP1 c.1517G>A variant is predicted to result in the amino acid substitution p.Arg506Gln. To our knowledge, this variant has not been reported in the literature. This variant is reported in 0.016% of alleles in individuals of African descent in gnomAD. At this time, the clinical significance of this variant is uncertain due to the absence of conclusive functional and genetic evidence.